The following is an entry in ClinVar:

ClinVar aggregate classification (germline): Likely benign. Review status: criteria provided, multiple submitters, no conflicts (2 of 4 stars). 2 submissions from 2 submitters: Likely benign (2). Last evaluated 2025-02-07.

Conditions:
Epilepsy, progressive myoclonic, 1B. Also called: PME. Identifiers: Orphanet 308, MedGen C2676254, MONDO:0012904, OMIM 612437.

Allele frequency attached by ClinVar (database versions not stated): ExAC 0.00002; gnomAD exomes 0.00002; gnomAD 0.00003; TOPMed 0.00003; ESP Exome Variant Server 0.00008.
gnomAD v4.1: 37 of 1,613,994 alleles (0.0023%); highest among the groups gnomAD compares: Admixed American, 0.0033%; no homozygotes.

Submissions (2):

Labcorp Genetics (formerly Invitae), Labcorp
Classification: Likely benign for Epilepsy, progressive myoclonic, 1B. Last evaluated: 2025-02-07. Review status: criteria provided, single submitter. Criteria: Invitae Variant Classification Sherloc (09022015). Collection method: clinical testing. Allele origin: germline.

GeneDx
Classification: Likely benign. Last evaluated: 2017-02-02. Review status: criteria provided, single submitter. Criteria: GeneDx Variant Classification (06012015). Collection method: clinical testing. Allele origin: germline. Affected: yes.
Comment: This variant is considered likely benign or benign based on one or more of the following criteria: it is a conservative change, it occurs at a poorly conserved position in the protein, it is predicted to be benign by multiple in silico algorithms, and/or has population frequency not consistent with disease.

NM_153026.3(PRICKLE1):c.2265C>T (p.Tyr755=)

Gene: PRICKLE1 (prickle planar cell polarity protein 1; minus strand). Cytogenetic location: 12q12.
Variant type: single nucleotide variant.
Coding change: c.2265C>T on transcript NM_153026.3 (MANE Select); coding-DNA position 2265, C replaced by T.
Protein change: p.Tyr755=; no amino-acid change (tyrosine 755 retained).
Molecular consequence: synonymous variant.
Genome position (GRCh38, 1-based): chr12:42,460,040, G>A on the plus strand (C>T on the coding strand, the complement: PRICKLE1 is on the minus strand). VCF-style: chr12-42460040-G-A. GRCh37 (hg19) VCF-style: chr12-42853842-G-A.
Other names: c.2265C>T, p.Tyr755= (NM_001144881.2, NM_001144882.2, NM_001144883.2).
Identifiers: ClinVar variation 507055 (VCV000507055.9), dbSNP rs148989635, ClinGen allele CA6519630.